The following is an entry in ClinVar:

NM_001127671.2(LIFR):c.1162C>T (p.Pro388Ser)

Gene: LIFR (LIF receptor subunit alpha; minus strand). Cytogenetic location: 5p13.1.
Variant type: single nucleotide variant.
Coding change: c.1162C>T on transcript NM_001127671.2 (MANE Select); coding-DNA position 1162, C replaced by T.
Protein change: p.Pro388Ser; replaces proline 388 with serine.
Molecular consequence: missense variant.
Genome position (GRCh38, 1-based): chr5:38,506,034, G>A on the plus strand (C>T on the coding strand, the complement: LIFR is on the minus strand). VCF-style: chr5-38506034-G-A. GRCh37 (hg19) VCF-style: chr5-38506136-G-A.
Other names: c.1162C>T, p.Pro388Ser (NM_001364297.2, NM_001364298.2, NM_002310.6); short protein forms P388S.
Identifiers: ClinVar variation 2152690 (VCV002152690.3), dbSNP rs1337669586, ClinGen allele CA359544010.

ClinVar aggregate classification (germline): Uncertain significance. Review status: criteria provided, multiple submitters, no conflicts (2 of 4 stars). 2 submissions from 2 submitters: Uncertain significance (2). Last evaluated 2025-02-10.

Conditions:
Stüve-Wiedemann syndrome 1. Also called: STUVE-WIEDEMANN/SCHWARTZ-JAMPEL TYPE 2 SYNDROME. Identifiers: Orphanet 3206, MedGen C5676888, MONDO:0800043, OMIM 601559.

Allele frequency attached by ClinVar (database versions not stated): gnomAD exomes below 0.00001.
gnomAD v4.1: 2 of 1,604,388 alleles (0.00012%); highest among the groups gnomAD compares: Non-Finnish European, 0.000085%; no homozygotes.

Submissions (2):

Labcorp Genetics (formerly Invitae), Labcorp
Classification: Uncertain significance. Last evaluated: 2025-02-10. Review status: criteria provided, single submitter. Criteria: Invitae Variant Classification Sherloc (09022015). Collection method: clinical testing. Allele origin: germline.
Comment: This sequence change replaces proline, which is neutral and non-polar, with serine, which is neutral and polar, at codon 388 of the LIFR protein (p.Pro388Ser). This variant is present in population databases (no rsID available, gnomAD 0.0009%). This variant has not been reported in the literature in individuals affected with LIFR-related conditions. ClinVar contains an entry for this variant (Variation ID: 2152690). An algorithm developed to predict the effect of missense changes on protein structure and function outputs the following: PolyPhen-2: "Benign". The serine amino acid residue is found in multiple mammalian species, which suggests that this missense change does not adversely affect protein function. In summary, the available evidence is currently insufficient to determine the role of this variant in disease. Therefore, it has been classified as a Variant of Uncertain Significance.

Fulgent Genetics
Classification: Uncertain significance for Stüve-Wiedemann syndrome 1. Last evaluated: 2024-05-23. Review status: criteria provided, single submitter. Criteria: ACMG Guidelines, 2015. Collection method: clinical testing. Allele origin: germline.